The following is an entry in ClinVar:

NM_000081.4(LYST):c.7971A>G (p.Gln2657=)

Gene: LYST (lysosomal trafficking regulator; minus strand). Cytogenetic location: 1q42.3.
Variant type: single nucleotide variant.
Coding change: c.7971A>G on transcript NM_000081.4 (MANE Select); coding-DNA position 7971, A replaced by G.
Protein change: p.Gln2657=; no amino-acid change (glutamine 2657 retained).
Molecular consequence: synonymous variant.
Genome position (GRCh38, 1-based): chr1:235,746,337, T>C on the plus strand (A>G on the coding strand, the complement: LYST is on the minus strand). VCF-style: chr1-235746337-T-C. GRCh37 (hg19) VCF-style: chr1-235909637-T-C.
Other names: c.7971A>G, p.Gln2657= (NM_001301365.1).
Identifiers: ClinVar variation 3353655 (VCV003353655.1).
Genomic context (GRCh38, chr1:235,746,337, plus strand): 5'-AGATTACTTCTCTTTCATTTTAAAATCTGAGGAAAAACAAACTAATCCTATAGTCTTACC[T>C]TGATAAATAATCCTGTTGACTGCTAAAACAGTGAGCCTCTGTAGTCTCTGCGCAAGTTCC-3'
Protein context (NP_000072.2, residues 2647-2667): TVLAVNRIIY[Gln2657=]EFNSDIIDIL

ClinVar aggregate classification (germline): Likely benign (0 of 4 stars; one submission).

Conditions:
LYST-related disorder. Also called: LYST-related condition.

gnomAD v4.1: 34 of 1,612,900 alleles (0.0021%); highest among the groups gnomAD compares: Non-Finnish European, 0.0027%; no homozygotes.

Submission:

PreventionGenetics, part of Exact Sciences
Classification: Likely benign for LYST-related condition. Last evaluated: 2024-03-25. Review status: no assertion criteria provided. Collection method: clinical testing. Allele origin: germline.
Comment: This variant is classified as likely benign based on ACMG/AMP sequence variant interpretation guidelines (Richards et al. 2015 PMID: 25741868, with internal and published modifications).